The following is an entry in ClinVar:

ClinVar aggregate classification (germline): Pathogenic/Likely pathogenic. Review status: criteria provided, multiple submitters, no conflicts (2 of 4 stars). 3 submissions from 3 submitters: Pathogenic (1); Likely pathogenic (2). Last evaluated 2026-09-08.

Conditions:
Fabry disease. Also called: Angiokeratoma corporis diffusum; Ceramide trihexosidosis; Fabry's disease; ALPHA-GALACTOSIDASE A DEFICIENCY; ANDERSON-FABRY DISEASE; CERAMIDE TRIHEXOSIDASE DEFICIENCY. Identifiers: Orphanet 324, MedGen C0002986, MONDO:0010526, OMIM 301500, HP:0001071. Disease mechanism: loss of function, Fabry disease is due to inactivating mutations in the X-linked GLA gene resulting in deficiency of the enzyme Alpha Galactosidase-A..

Submissions (3):

Genomenon, Inc
Classification: Pathogenic for Fabry disease. Last evaluated: 2026-09-08. Review status: criteria provided, single submitter. Criteria: Genomenon Sequence Variant Interpretation Standards - Updated. Collection method: curation. Allele origin: germline. Affected: yes.
Comment: GLA p.Leu89Arg (c.266T>G) is a missense variant that changes the amino acid at codon 89 from Leucine to Arginine. This variant has been observed in at least one proband with clinical features consistent with Fabry disease (PMID:7531540;16148726;40760696). At least one functional study has demonstrated a substantial alteration in protein function relative to the wild-type (PMID:21598360;27657681). This variant is located in a mutational hotspot and/or important functional domain. It is absent or not present at a significant frequency in gnomAD. In silico models predict that this variant is possibly or probably damaging. In conclusion, we classify GLA p.Leu89Arg (c.266T>G) as a pathogenic variant.

Labcorp Genetics (formerly Invitae), Labcorp
Classification: Likely pathogenic for Fabry disease. Last evaluated: 2022-08-23. Review status: criteria provided, single submitter. Criteria: Invitae Variant Classification Sherloc (09022015). Collection method: clinical testing. Allele origin: germline.
Comment: In summary, the currently available evidence indicates that the variant is pathogenic, but additional data are needed to prove that conclusively. Therefore, this variant has been classified as Likely Pathogenic. This variant disrupts the p.Leu89 amino acid residue in GLA. Other variant(s) that disrupt this residue have been observed in individuals with GLA-related conditions (PMID: 9100224; Invitae), which suggests that this may be a clinically significant amino acid residue. Experimental studies have shown that this missense change affects GLA function (PMID: 21598360). Algorithms developed to predict the effect of missense changes on protein structure and function (SIFT, PolyPhen-2, Align-GVGD) all suggest that this variant is likely to be disruptive. ClinVar contains an entry for this variant (Variation ID: 633245). This missense change has been observed in individual(s) with Fabry disease (PMID: 7531540, 19387866). This variant is not present in population databases (gnomAD no frequency). This sequence change replaces leucine, which is neutral and non-polar, with arginine, which is basic and polar, at codon 89 of the GLA protein (p.Leu89Arg).

Women's Health and Genetics/Laboratory Corporation of America, LabCorp
Classification: Likely pathogenic for Fabry disease. Last evaluated: 2018-05-06. Review status: criteria provided, single submitter. Criteria: LabCorp Variant Classification Summary - May 2015. Collection method: clinical testing. Allele origin: germline.
Comment: Variant summary: GLA c.266T>G (p.Leu89Arg) results in a non-conservative amino acid change in the encoded protein sequence. Five of five in-silico tools predict a damaging effect of the variant on protein function. The variant was absent in 87749 control chromosomes. c.266T>G has been reported in the literature in individuals affected with Fabry Disease. Multiple publications found that the variant causes <10% of normal enzyme activity (Wu_2011; Benjamin_2009). No clinical diagnostic laboratories have submitted clinical-significance assessments for this variant to ClinVar after 2014. Based on the evidence outlined above, the variant was classified as likely pathogenic.

Literature cited by the submitters: PubMed 7531540 (cited by 3 submitters); PubMed 16148726 (cited by Genomenon, Inc); PubMed 40760696 (cited by Genomenon, Inc); PubMed 21598360 (cited by 3 submitters); PubMed 27657681 (cited by Genomenon, Inc and Women's Health and Genetics/Laboratory Corporation of America, LabCorp); PubMed 9100224 (cited by Labcorp Genetics (formerly Invitae), Labcorp); PubMed 19387866 (cited by Labcorp Genetics (formerly Invitae), Labcorp and Women's Health and Genetics/Laboratory Corporation of America, LabCorp); PubMed 15712228 (cited by Women's Health and Genetics/Laboratory Corporation of America, LabCorp).

NM_000169.3(GLA):c.266T>G (p.Leu89Arg)

Genes: RPL36A-HNRNPH2 (RPL36A-HNRNPH2 readthrough; plus strand), GLA (galactosidase alpha; minus strand). Cytogenetic location: Xq22.1.
Variant type: single nucleotide variant.
Coding change: c.266T>G on transcript NM_000169.3 (MANE Select); coding-DNA position 266, T replaced by G.
Protein change: p.Leu89Arg; replaces leucine 89 with arginine.
Molecular consequence: missense variant. On other transcripts: non-coding transcript variant (3), intron variant (2).
Genome position (GRCh38, 1-based): chrX:101,403,914, A>C on the plus strand (T>G on the coding strand, the complement: GLA is on the minus strand). VCF-style: chrX-101403914-A-C. GRCh37 (hg19) VCF-style: chrX-100658902-A-C.
Other names: c.389T>G, p.Leu130Arg (NM_001406747.1, NM_001406749.1); c.266T>G, p.Leu89Arg (NM_001406748.1); c.301-8022A>C (NM_001199973.2); c.178-8022A>C (NM_001199974.2); short protein forms L89R, L130R.
Identifiers: ClinVar variation 633245 (VCV000633245.11), dbSNP rs1569304886, ClinGen allele CA413933787.